The following is an entry in ClinVar:

NM_003500.4(ACOX2):c.1587C>T (p.His529=)

Gene: ACOX2 (acyl-CoA oxidase 2; minus strand). Cytogenetic location: 3p14.3.
Variant type: single nucleotide variant.
Coding change: c.1587C>T on transcript NM_003500.4 (MANE Select); coding-DNA position 1587, C replaced by T.
Protein change: p.His529=; no amino-acid change (histidine 529 retained).
Molecular consequence: synonymous variant.
Genome position (GRCh38, 1-based): chr3:58,522,541, G>A on the plus strand (C>T on the coding strand, the complement: ACOX2 is on the minus strand). VCF-style: chr3-58522541-G-A. GRCh37 (hg19) VCF-style: chr3-58508268-G-A.
Identifiers: ClinVar variation 3046995 (VCV003046995.2), dbSNP rs548973247, ClinGen allele CA2472011.
Genomic context (GRCh38, chr3:58,522,541, plus strand): 5'-CTGGCAGGCGCTCACCTTAGCAGCCTGGAGGTGTATGACAGTGGTCTGGTTCCAAGCCTC[G>A]TGCTGGTCAGCTCCGGATTGCGTCAGGGTCTGTAAATGCTGCACTGAGTCCTTTATGAGC-3'
Protein context (NP_003491.1, residues 519-539): QTLTQSGADQ[His529=]EAWNQTTVIH

ClinVar aggregate classification (germline): Likely benign (0 of 4 stars; one submission).

Conditions:
ACOX2-related disorder. Also called: ACOX2-related condition.

Allele frequency attached by ClinVar (database versions not stated): TOPMed below 0.00001; gnomAD 0.00002; ExAC 0.00006.
gnomAD v4.1: 43 of 1,614,040 alleles (0.0027%); highest among the groups gnomAD compares: South Asian, 0.026%; no homozygotes.

Submission:

PreventionGenetics, part of Exact Sciences
Classification: Likely benign for ACOX2-related condition. Last evaluated: 2019-04-19. Review status: no assertion criteria provided. Collection method: clinical testing. Allele origin: germline.
Comment: This variant is classified as likely benign based on ACMG/AMP sequence variant interpretation guidelines (Richards et al. 2015 PMID: 25741868, with internal and published modifications).